The following is an entry in ClinVar:

NM_000257.4(MYH7):c.5283+4A>G

Genes: MYH7 (myosin heavy chain 7; minus strand), LOC126861897 (BRD4-independent group 4 enhancer GRCh37_chr14:23884455-23885654; plus strand). Cytogenetic location: 14q11.2.
Variant type: single nucleotide variant.
Coding change: c.5283+4A>G on transcript NM_000257.4 (MANE Select); 4 bases into the intron after coding-DNA position 5283, A replaced by G.
Molecular consequence: intron variant.
Genome position (GRCh38, 1-based): chr14:23,415,377, T>C on the plus strand (A>G on the coding strand, the complement: MYH7 is on the minus strand). VCF-style: chr14-23415377-T-C. GRCh37 (hg19) VCF-style: chr14-23884586-T-C.
Identifiers: ClinVar variation 998649 (VCV000998649.7), dbSNP rs1892148705, ClinGen allele CA485766134.
Genomic context (GRCh38, chr14:23,415,377, plus strand): 5'-CACTTGCTGCCCAGCCCACGGAGAGACACTGGTCTGGATCGGGTCGGTGGAGTGGGGGAC[T>C]TACATCCGTGATGGCCTTCTTGGCCTTCTCCTCAGCATTCCTGCACTCCTGCACTGCCTC-3'

ClinVar aggregate classification (germline): Uncertain significance (1 of 4 stars; one submission).

Conditions:
Hypertrophic cardiomyopathy. Also called: HYPERTROPHIC MYOCARDIOPATHY. Identifiers: Orphanet 217569, MedGen C0007194, MeSH D002312, MONDO:0005045, HP:0001639.

Submission:

Labcorp Genetics (formerly Invitae), Labcorp
Classification: Uncertain significance for Hypertrophic cardiomyopathy. Last evaluated: 2020-10-15. Review status: criteria provided, single submitter. Criteria: Invitae Variant Classification Sherloc (09022015). Collection method: clinical testing. Allele origin: germline.
Comment: This variant has not been reported in the literature in individuals with MYH7-related conditions. Nucleotide substitutions within the consensus splice site are a relatively common cause of aberrant splicing (PMID: 17576681, 9536098). Algorithms developed to predict the effect of sequence changes on RNA splicing suggest that this variant may disrupt the consensus splice site, but this prediction has not been confirmed by published transcriptional studies. In summary, the available evidence is currently insufficient to determine the role of this variant in disease. Therefore, it has been classified as a Variant of Uncertain Significance. This sequence change falls in intron 36 of the MYH7 gene. It does not directly change the encoded amino acid sequence of the MYH7 protein, but it affects a nucleotide within the consensus splice site of the intron. This variant is not present in population databases (ExAC no frequency).

Literature cited by the submitters: PubMed 17576681; PubMed 9536098.